The following is an entry in ClinVar:

ClinVar aggregate classification (germline): Pathogenic (1 of 4 stars; one submission).

Conditions:
Holocarboxylase synthetase deficiency. Also called: MULTIPLE CARBOXYLASE DEFICIENCY, EARLY ONSET. Identifiers: Orphanet 79242, MedGen C0268581, MONDO:0009666, OMIM 253270.

Submission:

Labcorp Genetics (formerly Invitae), Labcorp
Classification: Pathogenic for Holocarboxylase synthetase deficiency. Last evaluated: 2022-09-01. Review status: criteria provided, single submitter. Criteria: Invitae Variant Classification Sherloc (09022015). Collection method: clinical testing. Allele origin: germline.
Comment: For these reasons, this variant has been classified as Pathogenic. Algorithms developed to predict the effect of sequence changes on RNA splicing suggest that this variant may disrupt the consensus splice site. This variant has not been reported in the literature in individuals affected with HLCS-related conditions. This variant is present in population databases (no rsID available, gnomAD 0.01%). This sequence change creates a premature translational stop signal (p.Gln464*) in the HLCS gene. It is expected to result in an absent or disrupted protein product. Loss-of-function variants in HLCS are known to be pathogenic (PMID: 16134170).

Literature cited by the submitters: PubMed 16134170.

NM_001352514.2(HLCS):c.1831C>T (p.Gln611Ter)

Gene: HLCS (holocarboxylase synthetase; minus strand). Cytogenetic location: 21q22.13.
Variant type: single nucleotide variant.
Coding change: c.1831C>T on transcript NM_001352514.2 (MANE Select); coding-DNA position 1831, C replaced by T.
Protein change: p.Gln611Ter; replaces glutamine 611 with a stop codon.
Molecular consequence: nonsense. On other transcripts: non-coding transcript variant (2).
Genome position (GRCh38, 1-based): chr21:36,896,921, G>A on the plus strand (C>T on the coding strand, the complement: HLCS is on the minus strand). VCF-style: chr21-36896921-G-A. GRCh37 (hg19) VCF-style: chr21-38269221-G-A.
Other names: c.1390C>T, p.Gln464Ter (NM_000411.8, NM_001242784.3, NM_001242785.2 and 4 more transcripts); short protein forms Q464*, Q611*.
Identifiers: ClinVar variation 2013320 (VCV002013320.4), dbSNP rs1243965664, ClinGen allele CA409966375.
Genomic context (GRCh38, chr21:36,896,921, plus strand): 5'-CATCCAGGAGACGCATCGTTGTGGGGGTCACTTCGGCAAACAAAATTACTTTCCCCAACT[G>A]CTTGGTCTGCAGATTTTGGCGATAGATCTCTAAGTTGAAATGTTCTGATGAGAAGGCCTC-3'